The following is an entry in ClinVar:

NC_000009.12:g.35658028G>A

Gene: RMRP (RNA component of mitochondrial RNA processing endoribonuclease; minus strand). Cytogenetic location: 9p13.3.
Variant type: single nucleotide variant.
Genome position: GRCh38 VCF-style: chr9-35658028-G-A. GRCh37 (hg19) VCF-style: chr9-35658025-G-A.
Identifiers: ClinVar variation 566174 (VCV000566174.14), dbSNP rs572830134, ClinGen allele CA5045886.

ClinVar aggregate classification (germline): Conflicting classifications of pathogenicity. Review status: criteria provided, conflicting classifications (1 of 4 stars). 3 submissions from 3 submitters: Uncertain significance (1); Likely benign (1). 1 of the submissions does not count toward it. Last evaluated 2026-02-01.

Conditions:
RMRP-related disorder. Also called: RMRP-related condition.
Anauxetic dysplasia. Identifiers: Orphanet 93347, MedGen C1846796, MONDO:0011773.

Allele frequency attached by ClinVar (database versions not stated): ExAC 0.00047; 1000 Genomes Project 0.00120; 1000 Genomes Project 30x 0.00125.

Submissions (3):

Labcorp Genetics (formerly Invitae), Labcorp
Classification: Likely benign for Anauxetic dysplasia. Last evaluated: 2026-02-01. Review status: criteria provided, single submitter. Criteria: Invitae Variant Classification Sherloc (09022015). Collection method: clinical testing. Allele origin: germline.

Blueprint Genetics
Classification: Uncertain significance. Last evaluated: 2024-10-25. Review status: criteria provided, single submitter. Criteria: ACMG Guidelines, 2015. Collection method: clinical testing. Allele origin: germline.

PreventionGenetics, part of Exact Sciences
Classification: Likely benign for RMRP-related condition. Last evaluated: 2020-02-05. Review status: no assertion criteria provided. Collection method: clinical testing. Allele origin: germline. Not counted in ClinVar's aggregate classification.
Comment: This variant is classified as likely benign based on ACMG/AMP sequence variant interpretation guidelines (Richards et al. 2015 PMID: 25741868, with internal and published modifications).